The following is an entry in ClinVar:

NM_000531.6(OTC):c.803T>C (p.Met268Thr)

Gene: OTC (ornithine transcarbamylase; plus strand). Cytogenetic location: Xp11.4.
Variant type: single nucleotide variant.
Coding change: c.803T>C on transcript NM_000531.6 (MANE Select); coding-DNA position 803, T replaced by C.
Protein change: p.Met268Thr; replaces methionine 268 with threonine.
Molecular consequence: missense variant.
Genome position (GRCh38, 1-based): chrX:38,408,961, T>C. VCF-style: chrX-38408961-T-C. GRCh37 (hg19) VCF-style: chrX-38268214-T-C.
Other names: short protein forms M268T.
Identifiers: ClinVar variation 97333 (VCV000097333.11), dbSNP rs72558449, ClinGen allele CA224799.

ClinVar aggregate classification (germline): Pathogenic/Likely pathogenic. Review status: criteria provided, multiple submitters, no conflicts (2 of 4 stars). 3 submissions from 3 submitters: Pathogenic (1); Likely pathogenic (1). 1 of the submissions does not count toward it. Last evaluated 2022-11-08.

Conditions:
Ornithine carbamoyltransferase deficiency (OTCD). Also called: ORNITHINE TRANSCARBAMYLASE DEFICIENCY, HYPERAMMONEMIA DUE TO; ORNITHINE TRANSCARBAMYLASE DEFICIENCY; OTC DEFICIENCY; Ornithine Carbamoyltransferase Deficiency Disease. Identifiers: Orphanet 664, MedGen C0268542, MONDO:0010703, OMIM 311250.

Submissions (3):

Labcorp Genetics (formerly Invitae), Labcorp
Classification: Pathogenic for Ornithine carbamoyltransferase deficiency. Last evaluated: 2022-11-08. Review status: criteria provided, single submitter. Criteria: Invitae Variant Classification Sherloc (09022015). Collection method: clinical testing. Allele origin: germline.
Comment: For these reasons, this variant has been classified as Pathogenic. Advanced modeling of protein sequence and biophysical properties (such as structural, functional, and spatial information, amino acid conservation, physicochemical variation, residue mobility, and thermodynamic stability) performed at Invitae indicates that this missense variant is expected to disrupt OTC protein function. ClinVar contains an entry for this variant (Variation ID: 97333). This missense change has been observed in individuals with ornithine transcarbamylase deficiency (PMID: 8365726, 9286441, 12083811). This variant is not present in population databases (gnomAD no frequency). This sequence change replaces methionine, which is neutral and non-polar, with threonine, which is neutral and polar, at codon 268 of the OTC protein (p.Met268Thr).

Revvity Omics, Revvity
Classification: Likely pathogenic for Ornithine carbamoyltransferase deficiency. Last evaluated: 2020-08-10. Review status: criteria provided, single submitter. Criteria: ACMG Guidelines, 2015. Collection method: clinical testing. Allele origin: germline.

GenMed Metabolism Lab
Classification: Pathogenic. Review status: no assertion criteria provided. Collection method: not provided. Allele origin: unknown. Not counted in ClinVar's aggregate classification.
Comment: p.Met268Thr, Late
ClinVar note: Converted during submission from pathogenic to Pathogenic.

Literature cited by the submitters: PubMed 8365726 (cited by Labcorp Genetics (formerly Invitae), Labcorp); PubMed 9286441 (cited by Labcorp Genetics (formerly Invitae), Labcorp); PubMed 12083811 (cited by Labcorp Genetics (formerly Invitae), Labcorp).